The following is an entry in ClinVar:

NM_000138.5(FBN1):c.1715-286A>G

Gene: FBN1 (fibrillin 1; minus strand). Cytogenetic location: 15q21.1.
Variant type: single nucleotide variant.
Coding change: c.1715-286A>G on transcript NM_000138.5 (MANE Select); 286 bases into the intron before coding-DNA position 1715, A replaced by G.
Molecular consequence: intron variant.
Genome position (GRCh38, 1-based): chr15:48,508,990, T>C on the plus strand (A>G on the coding strand, the complement: FBN1 is on the minus strand). VCF-style: chr15-48508990-T-C. GRCh37 (hg19) VCF-style: chr15-48801187-T-C.
Identifiers: ClinVar variation 671302 (VCV000671302.1), dbSNP rs60632431, ClinGen allele CA269553401.

ClinVar aggregate classification (germline): Benign (1 of 4 stars; one submission).

Allele frequency attached by ClinVar (database versions not stated): gnomAD 0.01621 and 0.01734; TOPMed 0.01753; 1000 Genomes Project 0.01857; 1000 Genomes Project 30x 0.01874.
gnomAD v4.1: 2,445 of 152,292 alleles (1.6%); highest among the groups gnomAD compares: African/African-American, 5.2%; 62 homozygotes.

Submission:

GeneDx
Classification: Benign. Last evaluated: 2018-06-14. Review status: criteria provided, single submitter. Criteria: GeneDx Variant Classification (06012015). Collection method: clinical testing. Allele origin: germline. Affected: yes.
Comment: This variant is considered likely benign or benign based on one or more of the following criteria: it is a conservative change, it occurs at a poorly conserved position in the protein, it is predicted to be benign by multiple in silico algorithms, and/or has population frequency not consistent with disease.